The following is an entry in ClinVar:

NC_000002.11:g.(?_232597662)_(232603918_?)dup

Gene: PDE6D (phosphodiesterase 6D; minus strand). Cytogenetic location: 2q37.1.
Variant type: Duplication.
Identifiers: ClinVar variation 1056121 (VCV001056121.3).

ClinVar aggregate classification (germline): Uncertain significance (1 of 4 stars; one submission).

Conditions:
Joubert syndrome 22 (JBTS22). Identifiers: Orphanet 2754, MedGen C3810278, MONDO:0014297, OMIM 615665.

Submission:

Labcorp Genetics (formerly Invitae), Labcorp
Classification: Uncertain significance for Joubert syndrome 22. Last evaluated: 2020-10-02. Review status: criteria provided, single submitter. Criteria: Invitae Variant Classification Sherloc (09022015). Collection method: clinical testing. Allele origin: germline.
Comment: In summary, the available evidence is currently insufficient to determine the role of this variant in disease. Therefore, it has been classified as a Variant of Uncertain Significance. Experimental studies and prediction algorithms are not available or were not evaluated, and the functional significance of this variant is currently unknown. This variant has not been reported in the literature in individuals with PDE6D-related conditions. This variant is a gross deletion of the genomic region encompassing exon(s) 2-5 of the PDE6D gene. The 5' boundary is likely confined to intron 1. The 3' end of this event is unknown as it extends through the termination codon beyond the assayed region for this gene and may encompass additional genes. While this deletion is not anticipated to result in nonsense mediated decay, it is expected to create a truncated protein product or disrupt mRNA translation.